The following is an entry in ClinVar:

NM_001142800.2(EYS):c.8221_8233+6del

Gene: EYS (EGF-like photoreceptor maintenance factor; minus strand). Cytogenetic location: 6q12.
Variant type: Deletion.
Coding change: c.8221_8233+6del on transcript NM_001142800.2 (MANE Select); coding-DNA position 8221 through 6 bases into the intron after coding-DNA position 8233, 19 bases deleted (AAAGCCCAATCAGGTAAGA).
Molecular consequence: splice donor variant.
Genome position (GRCh38, 1-based): chr6:63,726,513-63,726,531, TCTTACCTGATTGGGCTTT deleted on the plus strand (AAAGCCCAATCAGGTAAGA on the coding strand, the reverse complement: EYS is on the minus strand); deleting any 19 consecutive bases within chr6:63,726,513-63,726,532 gives the same sequence; the c. name uses the placement nearest the transcript's 3' end. VCF-style (leftmost placement, unchanged base first): chr6-63726512-ATCTTACCTGATTGGGCTTT-A. GRCh37 (hg19) VCF-style: chr6-64436405-ATCTTACCTGATTGGGCTTT-A.
Other names: c.8284_8296+6del (NM_001292009.2).
Identifiers: ClinVar variation 4856113 (VCV004856113.1).
Genomic context (GRCh38, chr6:63,726,512, plus strand): 5'-ACTATCATACATTACTTAATAGACTATTAGGAATTCATTCTGCAAACAAACAGCCTGCCA[ATCTTACCTGATTGGGCTTT>A]TAAGTGTTGTGCAGCATAAAATAGGATACCATCTGCAGCGAGAGGCTGAAACTGCAATTG-3'

ClinVar aggregate classification (germline): Likely pathogenic (1 of 4 stars; one submission).

Conditions:
Retinitis pigmentosa 25 (RP25). Identifiers: Orphanet 791, MedGen C1864446, MONDO:0011272, OMIM 602772.

Submission:

3billion
Classification: Likely pathogenic for Retinitis pigmentosa 25. Last evaluated: 2025-08-04. Review status: criteria provided, single submitter. Criteria: ACMG Guidelines, 2015. Collection method: clinical testing. Allele origin: germline. Affected: yes.
Comment: The variant is observed at an extremely low frequency in the gnomAD v4.1.0 dataset (total allele frequency: <0.001%). Predicted Consequence/Location: Canonical splice site: predicted to alter splicing and result in a loss or disruption of normal protein function. Multiple pathogenic variants are reported in the predicted truncated region. In silico tools predict the variant to alter splicing and produce an abnormal transcript [SpliceAI: 0.88 (spliceogenicity >=0.2, non-spliceogenicity <0.1)]. Therefore, this variant is classified as Likely pathogenic according to the recommendation of ACMG/AMP guideline.